The following is an entry in ClinVar:

ClinVar aggregate classification (germline): Uncertain significance. Review status: criteria provided, multiple submitters, no conflicts (2 of 4 stars). 2 submissions from 2 submitters: Uncertain significance (2). Last evaluated 2024-06-11.

Conditions:
Bethlem myopathy 1A. Also called: Bethlem myopathy 1; Bethlem Muscular Dystrophy; MYOPATHY, BENIGN CONGENITAL, WITH CONTRACTURES. Identifiers: Orphanet 610, MedGen CN029274, MONDO:0024530, OMIM 158810.

Allele frequency attached by ClinVar (database versions not stated): TOPMed below 0.00001; gnomAD 0.00001; gnomAD exomes 0.00001.
gnomAD v4.1: 4 of 1,613,336 alleles (0.00025%); highest among the groups gnomAD compares: Middle Eastern, 0.017%; no homozygotes.

Submissions (2):

Revvity Omics, Revvity
Classification: Uncertain significance. Last evaluated: 2024-06-11. Review status: criteria provided, single submitter. Criteria: ACMG Guidelines, 2015. Collection method: clinical testing. Allele origin: germline.

Labcorp Genetics (formerly Invitae), Labcorp
Classification: Uncertain significance for Bethlem myopathy 1A. Last evaluated: 2023-03-26. Review status: criteria provided, single submitter. Criteria: Invitae Variant Classification Sherloc (09022015). Collection method: clinical testing. Allele origin: germline.
Comment: In summary, the available evidence is currently insufficient to determine the role of this variant in disease. Therefore, it has been classified as a Variant of Uncertain Significance. Variants that disrupt the consensus splice site are a relatively common cause of aberrant splicing (PMID: 17576681, 9536098). Algorithms developed to predict the effect of sequence changes on RNA splicing suggest that this variant is not likely to affect RNA splicing. This variant has not been reported in the literature in individuals affected with COL6A3-related conditions. This variant is not present in population databases (gnomAD no frequency). This sequence change falls in intron 42 of the COL6A3 gene. It does not directly change the encoded amino acid sequence of the COL6A3 protein. It affects a nucleotide within the consensus splice site.

Literature cited by the submitters: PubMed 17576681 (cited by Labcorp Genetics (formerly Invitae), Labcorp); PubMed 9536098 (cited by Labcorp Genetics (formerly Invitae), Labcorp).

NM_004369.4(COL6A3):c.9328+3G>A

Gene: COL6A3 (collagen type VI alpha 3 chain; minus strand). Cytogenetic location: 2q37.3.
Variant type: single nucleotide variant.
Coding change: c.9328+3G>A on transcript NM_004369.4 (MANE Select); 3 bases into the intron after coding-DNA position 9328, G replaced by A.
Molecular consequence: intron variant.
Genome position (GRCh38, 1-based): chr2:237,333,447, C>T on the plus strand (G>A on the coding strand, the complement: COL6A3 is on the minus strand). VCF-style: chr2-237333447-C-T. GRCh37 (hg19) VCF-style: chr2-238242090-C-T.
Other names: c.7507+3G>A (NM_057166.5); c.8710+3G>A (NM_057167.4).
Identifiers: ClinVar variation 2762538 (VCV002762538.4), dbSNP rs1700370715, ClinGen allele CA431674748.